The following is an entry in ClinVar:

NM_000059.4(BRCA2):c.7211_7212del (p.Lys2404fs)

Gene: BRCA2 (BRCA2 DNA repair associated; plus strand). Cytogenetic location: 13q13.1.
Variant type: Deletion.
Coding change: c.7211_7212del on transcript NM_000059.4 (MANE Select); coding-DNA positions 7211 to 7212, 2 bases deleted (AA; older notation c.7211_7212delAA).
Protein change: p.Lys2404fs; shifts the reading frame from lysine 2404.
Molecular consequence: frameshift variant.
Genome position (GRCh38, 1-based): chr13:32,355,064-32,355,065, AA deleted; deleting any 2 consecutive bases within chr13:32,355,063-32,355,065 gives the same sequence; the c. name uses the placement nearest the transcript's 3' end. VCF-style (leftmost placement, unchanged base first): chr13-32355062-CAA-C. GRCh37 (hg19) VCF-style: chr13-32929199-CAA-C.
Other names: 7439delAA; c.7211_7212delAA (NM_000059.3).
Identifiers: ClinVar variation 52289 (VCV000052289.18), dbSNP rs80359642, ClinGen allele CA024966.

ClinVar aggregate classification (germline): Pathogenic. Review status: reviewed by expert panel (3 of 4 stars). 8 submissions from 8 submitters: Pathogenic (1). 7 of the submissions do not count toward it. Last evaluated 2016-09-08.

Conditions:
Hereditary cancer-predisposing syndrome. Also called: Neoplastic Syndromes, Hereditary; Tumor predisposition; Hereditary neoplastic syndrome; Hereditary Cancer Syndrome. Identifiers: Orphanet 140162, MedGen C0027672, MeSH D009386, MONDO:0015356.
Hereditary breast ovarian cancer syndrome. Also called: Hereditary breast and ovarian cancer syndrome; Hereditary breast and ovarian cancer; Hereditary breast and ovarian cancer syndrome (HBOC); Breast and ovarian cancer; Hereditary breast and/or ovarian cancer syndrome; BRCA1- and BRCA2-Associated Hereditary Breast and Ovarian Cancer. Identifiers: Orphanet 145, MedGen C0677776, MeSH D061325, MONDO:0003582. Disease mechanism: loss of function.
Breast-ovarian cancer, familial, susceptibility to, 2 (BROVCA2). Also called: BRCA2 Hereditary Breast and Ovarian Cancer. Identifiers: Orphanet 145, MedGen C2675520, MONDO:0012933, OMIM 612555. Disease mechanism: loss of function.

Submissions (8):

Evidence-based Network for the Interpretation of Germline Mutant Alleles (ENIGMA)
Classification: Pathogenic for Breast-ovarian cancer, familial, susceptibility to, 2. Last evaluated: 2016-09-08. Review status: reviewed by expert panel. Criteria: ENIGMA BRCA1/2 Classification Criteria (2015). Collection method: curation. Allele origin: germline.
Comment: Variant allele predicted to encode a truncated non-functional protein.

Labcorp Genetics (formerly Invitae), Labcorp
Classification: Pathogenic for Hereditary breast ovarian cancer syndrome. Last evaluated: 2025-04-27. Review status: criteria provided, single submitter. Criteria: Invitae Variant Classification Sherloc (09022015). Collection method: clinical testing. Allele origin: germline. Not counted in ClinVar's aggregate classification.
Comment: This sequence change creates a premature translational stop signal (p.Lys2404Serfs*7) in the BRCA2 gene. It is expected to result in an absent or disrupted protein product. Loss-of-function variants in BRCA2 are known to be pathogenic (PMID: 20104584). This variant is not present in population databases (gnomAD no frequency). This premature translational stop signal has been observed in individual(s) with breast cancer (PMID: 29446198). ClinVar contains an entry for this variant (Variation ID: 52289). For these reasons, this variant has been classified as Pathogenic.

Ambry Genetics
Classification: Pathogenic for Hereditary cancer-predisposing syndrome. Last evaluated: 2025-02-17. Review status: criteria provided, single submitter. Criteria: Ambry Variant Classification Scheme 2023. Collection method: clinical testing. Allele origin: germline. Not counted in ClinVar's aggregate classification.
Comment: The c.7211_7212delAA pathogenic mutation, located in coding exon 13 of the BRCA2 gene, results from a deletion of two nucleotides at nucleotide positions 7211 to 7212, causing a translational frameshift with a predicted alternate stop codon (p.K2404Sfs*7). This variant has been identified in at least one patient with a personal and family history of breast and/or ovarian cancer (Maxwell KN et al. Am J Hum Genet, 2016 May;98:801-817). This alteration was also identified in a large, worldwide study of BRCA1/2 mutation positive families (Rebbeck TR et al. Hum Mutat, 2018 05;39:593-620). Additionally, this alteration was identified in an individual diagnosed with pancreatic cancer (Palacio S et al. J Gastrointest Oncol, 2019 Dec;10:1133-1139). This variant is considered to be rare based on population cohorts in the Genome Aggregation Database (gnomAD). In addition to the clinical data presented in the literature, this alteration is expected to result in loss of function by premature protein truncation or nonsense-mediated mRNA decay. As such, this alteration is interpreted as a disease-causing mutation.

Quest Diagnostics Nichols Institute San Juan Capistrano
Classification: Pathogenic. Last evaluated: 2024-05-03. Review status: criteria provided, single submitter. Criteria: Quest Diagnostics criteria. Collection method: clinical testing. Allele origin: unknown. Not counted in ClinVar's aggregate classification.
Comment: The BRCA2 c.7211_7212del (p.Lys2404Serfs*7) variant alters the translational reading frame of the BRCA2 mRNA and causes the premature termination of BRCA2 protein synthesis. This variant has been reported in the published literature in an individual with ovarian cancer (PMID: 31556562 (2019)) and in an individual with metastatic pancreatic cancer (PMID: 31949930 (2019)). This variant has also been reported in one German family from the Consortium of Investigators of Modifiers of BRCA1/2 (CIMBA) study (PMID: 29446198 (2018)). This variant has not been reported in large, multi-ethnic general populations (Genome Aggregation Database). Based on the available information, this variant is classified as pathogenic.

Color Diagnostics, LLC DBA Color Health
Classification: Pathogenic for Hereditary cancer-predisposing syndrome. Last evaluated: 2022-02-07. Review status: criteria provided, single submitter. Criteria: ACMG Guidelines, 2015. Collection method: clinical testing. Allele origin: germline. Not counted in ClinVar's aggregate classification.
Comment: This variant deletes 2 nucleotides in exon 14 of the BRCA2 gene, creating a frameshift and premature translation stop signal. This variant is expected to result in an absent or non-functional protein product. This variant has been reported in 1 individual affected with metastatic pancreatic cancer (PMID: 31949930) and has been identified in 1 family among the CIMBA participants (PMID: 29446198) This variant has not been identified in the general population by the Genome Aggregation Database (gnomAD). Loss of BRCA2 function is a known mechanism of disease. Based on the available evidence, this variant is classified as Pathogenic.

GeneDx
Classification: Pathogenic. Last evaluated: 2018-11-21. Review status: criteria provided, single submitter. Criteria: GeneDx Variant Classification (06012015). Collection method: clinical testing. Allele origin: germline. Affected: yes. Not counted in ClinVar's aggregate classification.
Comment: This deletion of two nucleotides in BRCA2 is denoted c.7211_7212delAA at the cDNA level and p.Lys2404SerfsX7 (K2404SfsX7) at the protein level. The normal sequence, with the bases that are deleted in brackets, is ACCA[delAA]GTCT. Using alternate nomenclature, this variant would be defined as BRCA2 7439delAA. The deletion causes a frameshift which changes a Lysine to a Serine at codon 2404, and creates a premature stop codon at position 7 of the new reading frame. Although this variant has not, to our knowledge, been reported in the literature as a germline variant, it is predicted to cause loss of normal protein function through either protein truncation or nonsense-mediated mRNA decay. We consider this variant to be pathogenic.

Consortium of Investigators of Modifiers of BRCA1/2 (CIMBA), c/o University of Cambridge
Classification: Pathogenic for Breast-ovarian cancer, familial, susceptibility to, 2. Last evaluated: 2015-10-02. Review status: criteria provided, single submitter. Criteria: CIMBA Mutation Classification guidelines May 2016. Collection method: clinical testing. Allele origin: germline. Not counted in ClinVar's aggregate classification.

Breast Cancer Information Core (BIC) (BRCA2)
Classification: Pathogenic for Breast-ovarian cancer, familial 2. Last evaluated: 1997-11-13. Review status: no assertion criteria provided. Collection method: clinical testing. Allele origin: germline. Affected: yes. Observed: 1 variant allele. Not counted in ClinVar's aggregate classification.

Literature cited by the submitters: PubMed 20104584 (cited by Labcorp Genetics (formerly Invitae), Labcorp); PubMed 29446198 (cited by 4 submitters); PubMed 27153395 (cited by Ambry Genetics and Quest Diagnostics Nichols Institute San Juan Capistrano); PubMed 31949930 (cited by 3 submitters); PubMed 31556562 (cited by Quest Diagnostics Nichols Institute San Juan Capistrano); PubMed 35420638 (cited by Quest Diagnostics Nichols Institute San Juan Capistrano).